The following is an entry in ClinVar:

NM_006563.5(KLF1):c.415G>C (p.Ala139Pro)

Genes: KLF1 (KLF transcription factor 1; minus strand), LOC130063673 (ATAC-STARR-seq lymphoblastoid silent region 10180; plus strand). Cytogenetic location: 19p13.13.
Variant type: single nucleotide variant.
Coding change: c.415G>C on transcript NM_006563.5 (MANE Select); coding-DNA position 415, G replaced by C.
Protein change: p.Ala139Pro; replaces alanine 139 with proline.
Molecular consequence: missense variant.
Genome position (GRCh38, 1-based): chr19:12,885,815, C>G on the plus strand (G>C on the coding strand, the complement: KLF1 is on the minus strand). VCF-style: chr19-12885815-C-G. GRCh37 (hg19) VCF-style: chr19-12996629-C-G.
Other names: short protein forms A139P.
Identifiers: ClinVar variation 4703884 (VCV004703884.1).

ClinVar aggregate classification (germline): Uncertain significance (1 of 4 stars; one submission).

Submission:

Labcorp Genetics (formerly Invitae), Labcorp
Classification: Uncertain significance. Last evaluated: 2026-01-01. Review status: criteria provided, single submitter. Criteria: Invitae Variant Classification Sherloc (09022015). Collection method: clinical testing. Allele origin: germline.
Comment: This sequence change replaces alanine, which is neutral and non-polar, with proline, which is neutral and non-polar, at codon 139 of the KLF1 protein (p.Ala139Pro). This variant is present in population databases (no rsID available, gnomAD 0.002%). This variant has not been reported in the literature in individuals affected with KLF1-related conditions. Invitae Evidence Modeling of protein sequence and biophysical properties (such as structural, functional, and spatial information, amino acid conservation, physicochemical variation, residue mobility, and thermodynamic stability) indicates that this missense variant is not expected to disrupt KLF1 protein function with a negative predictive value of 80%. In summary, the available evidence is currently insufficient to determine the role of this variant in disease. Therefore, it has been classified as a Variant of Uncertain Significance.